The following is an entry in ClinVar:

ClinVar aggregate classification (germline): Uncertain significance. Review status: criteria provided, multiple submitters, no conflicts (2 of 4 stars). 4 submissions from 4 submitters: Uncertain significance (4). Last evaluated 2025-03-23.

Conditions:
Neuropathy, hereditary sensory, type 2C. Also called: KIF1A-Related HSAN2 (HSAN2C); Hereditary sensory and autonomic neuropathy type IIC. Identifiers: Orphanet 970, MedGen C3280168, MONDO:0013634, OMIM 614213.
Intellectual disability, autosomal dominant 9 (NESCAVS). Also called: NESCAV SYNDROME; KIF1A-Related Neurodevelopmental Disorder. Identifiers: Orphanet 662367, MedGen C5393830, MONDO:0013656, OMIM 614255.
Hereditary spastic paraplegia 30. Identifiers: Orphanet 101010, MedGen C5235139, MONDO:0012476.
Inborn genetic diseases. Identifiers: MedGen C0950123, MeSH D030342.

Allele frequency attached by ClinVar (database versions not stated): gnomAD 0.00001; gnomAD exomes 0.00001; TOPMed 0.00001; ExAC 0.00002.

Submissions (4):

Labcorp Genetics (formerly Invitae), Labcorp
Classification: Uncertain significance for Hereditary spastic paraplegia 30; Neuropathy, hereditary sensory, type 2C; Intellectual disability, autosomal dominant 9. Last evaluated: 2025-03-23. Review status: criteria provided, single submitter. Criteria: Invitae Variant Classification Sherloc (09022015). Collection method: clinical testing. Allele origin: germline.
Comment: This sequence change replaces arginine, which is basic and polar, with histidine, which is basic and polar, at codon 229 of the KIF1A protein (p.Arg229His). This variant is present in population databases (rs771122739, gnomAD 0.007%). This variant has not been reported in the literature in individuals affected with KIF1A-related conditions. ClinVar contains an entry for this variant (Variation ID: 570361). Invitae Evidence Modeling of protein sequence and biophysical properties (such as structural, functional, and spatial information, amino acid conservation, physicochemical variation, residue mobility, and thermodynamic stability) indicates that this missense variant is expected to disrupt KIF1A protein function with a positive predictive value of 95%. In summary, the available evidence is currently insufficient to determine the role of this variant in disease. Therefore, it has been classified as a Variant of Uncertain Significance.

Neuberg Centre For Genomic Medicine, NCGM
Classification: Uncertain significance for Spastic paraplegia 30A, autosomal dominant. Last evaluated: 2024-02-01. Review status: criteria provided, single submitter. Criteria: ACMG Guidelines, 2015. Collection method: clinical testing. Allele origin: germline. Inheritance: Autosomal dominant inheritance.
Comment: The missense variant has not been reported previously as a pathogenic variant nor as a benign variant, to our knowledge

GeneDx
Classification: Uncertain significance. Last evaluated: 2023-08-04. Review status: criteria provided, single submitter. Criteria: GeneDx Variant Classification Process June 2021. Collection method: clinical testing. Allele origin: germline. Affected: yes.
Comment: In silico analysis supports that this missense variant has a deleterious effect on protein structure/function; Has not been previously published as pathogenic or benign to our knowledge; This variant is associated with the following publications: (PMID: 26125038, 21820098, 21376300)

Ambry Genetics
Classification: Uncertain significance for Inborn genetic diseases. Last evaluated: 2020-01-10. Review status: criteria provided, single submitter. Criteria: Ambry Variant Classification Scheme 2023. Collection method: clinical testing. Allele origin: germline.
Comment: The p.R229H variant (also known as c.686G>A), located in coding exon 6 of the KIF1A gene, results from a G to A substitution at nucleotide position 686. The arginine at codon 229 is replaced by histidine, an amino acid with highly similar properties. This amino acid position is highly conserved in available vertebrate species. In addition, this alteration is predicted to be tolerated by in silico analysis. Since supporting evidence is limited at this time, the clinical significance of this alteration remains unclear.

NM_001244008.2(KIF1A):c.686G>A (p.Arg229His)

Gene: KIF1A (kinesin family member 1A; minus strand). Cytogenetic location: 2q37.3.
Variant type: single nucleotide variant.
Coding change: c.686G>A on transcript NM_001244008.2 (MANE Select); coding-DNA position 686, G replaced by A.
Protein change: p.Arg229His; replaces arginine 229 with histidine.
Molecular consequence: missense variant.
Genome position (GRCh38, 1-based): chr2:240,785,023, C>T on the plus strand (G>A on the coding strand, the complement: KIF1A is on the minus strand). VCF-style: chr2-240785023-C-T. GRCh37 (hg19) VCF-style: chr2-241724440-C-T.
Other names: c.686G>A, p.Arg229His (NM_001320705.2, NM_001330289.2, NM_001330290.2 and 20 more transcripts); short protein forms R229H.
Identifiers: ClinVar variation 570361 (VCV000570361.15), dbSNP rs771122739, ClinGen allele CA2208706.
Genomic context (GRCh38, chr2:240,785,023, plus strand): 5'-CACCGCCTGTGAGGCCACTCACTCACCTTCTCCGTGGTGATATTGGTCTCTGCGTCATGG[C>T]GCTTCTGGGTGAAGATGATGTTGAAGACGGCGTGGGAGCGACTGCTGGTCTCATTCATGT-3'
Protein context (NP_001230937.1, residues 219-239): AVFNIIFTQK[Arg229His]HDAETNITTE